The following is an entry in ClinVar:

ClinVar aggregate classification (germline): Pathogenic (1 of 4 stars; one submission).

Conditions:
Hereditary spastic paraplegia 31. Also called: SPASTIC PARAPLEGIA 31, AUTOSOMAL DOMINANT. Identifiers: Orphanet 101011, MedGen C1853247, MONDO:0012453, OMIM 610250.

Submission:

Labcorp Genetics (formerly Invitae), Labcorp
Classification: Pathogenic for Hereditary spastic paraplegia 31. Last evaluated: 2021-08-04. Review status: criteria provided, single submitter. Criteria: Invitae Variant Classification Sherloc (09022015). Collection method: clinical testing. Allele origin: germline.
Comment: A gross deletion of the genomic region encompassing the full coding sequence of the REEP1 gene has been identified. Loss-of-function variants in REEP1 are known to be pathogenic (PMID: 18321925, 18644145, 22703882). The boundaries of this event are unknown as they extend beyond the assayed region for this gene and therefore may encompass additional genes. Isolated whole-gene deletions of REEP1 have not been reported in the literature. However, larger copy number events that include this gene have been reported (PMID: 22062632, 24986827). For these reasons, this variant has been classified as Pathogenic.

Literature cited by the submitters: PubMed 18321925; PubMed 18644145; PubMed 22703882; PubMed 22062632; PubMed 24986827.

NC_000002.11:g.(?_85766411)_(86564633_?)del

Genes: ATOH8 (atonal bHLH transcription factor 8; plus strand), C2orf68 (chromosome 2 open reading frame 68; minus strand), GGCX (gamma-glutamyl carboxylase; minus strand), GNLY (granulysin; plus strand), IMMT (inner membrane mitochondrial protein; minus strand) and 12 more. Cytogenetic location: 2p11.2.
Variant type: Deletion.
Identifiers: ClinVar variation 2426780 (VCV002426780.3).